The following is an entry in ClinVar:

NM_020745.4(AARS2):c.1988G>A (p.Arg663His)

Gene: AARS2 (alanyl-tRNA synthetase 2, mitochondrial; minus strand). Cytogenetic location: 6p21.1.
Variant type: single nucleotide variant.
Coding change: c.1988G>A on transcript NM_020745.4 (MANE Select); coding-DNA position 1988, G replaced by A.
Protein change: p.Arg663His; replaces arginine 663 with histidine.
Molecular consequence: missense variant.
Genome position (GRCh38, 1-based): chr6:44,304,200, C>T on the plus strand (G>A on the coding strand, the complement: AARS2 is on the minus strand). VCF-style: chr6-44304200-C-T. GRCh37 (hg19) VCF-style: chr6-44271937-C-T.
Other names: short protein forms R663H.
Identifiers: ClinVar variation 2190734 (VCV002190734.4), dbSNP rs770129224, ClinGen allele CA3834153.

ClinVar aggregate classification (germline): Uncertain significance (1 of 4 stars; one submission).

Allele frequency attached by ClinVar (database versions not stated): gnomAD exomes 0.00001; ExAC 0.00002; gnomAD 0.00002; TOPMed 0.00005.
gnomAD v4.1: 17 of 1,613,720 alleles (0.0011%); highest among the groups gnomAD compares: African/African-American, 0.008%; no homozygotes.

Submission:

Labcorp Genetics (formerly Invitae), Labcorp
Classification: Uncertain significance. Last evaluated: 2022-08-22. Review status: criteria provided, single submitter. Criteria: Invitae Variant Classification Sherloc (09022015). Collection method: clinical testing. Allele origin: germline.
Comment: In summary, the available evidence is currently insufficient to determine the role of this variant in disease. Therefore, it has been classified as a Variant of Uncertain Significance. Advanced modeling of protein sequence and biophysical properties (such as structural, functional, and spatial information, amino acid conservation, physicochemical variation, residue mobility, and thermodynamic stability) performed at Invitae indicates that this missense variant is expected to disrupt AARS2 protein function. This variant has not been reported in the literature in individuals affected with AARS2-related conditions. The frequency data for this variant in the population databases is considered unreliable, as metrics indicate poor data quality at this position in the gnomAD database. This sequence change replaces arginine, which is basic and polar, with histidine, which is basic and polar, at codon 663 of the AARS2 protein (p.Arg663His).